The following is an entry in ClinVar:

ClinVar aggregate classification (germline): Uncertain significance (1 of 4 stars; one submission).

Allele frequency attached by ClinVar (database versions not stated): gnomAD exomes below 0.00001.
gnomAD v4.1: 1 of 1,613,422 alleles (0.000062%); highest among the groups gnomAD compares: Non-Finnish European, 0.000085%; no homozygotes.

Submission:

Labcorp Genetics (formerly Invitae), Labcorp
Classification: Uncertain significance. Last evaluated: 2025-04-28. Review status: criteria provided, single submitter. Criteria: Invitae Variant Classification Sherloc (09022015). Collection method: clinical testing. Allele origin: germline.
Comment: This sequence change replaces aspartic acid, which is acidic and polar, with asparagine, which is neutral and polar, at codon 803 of the KANK2 protein (p.Asp803Asn). This variant is not present in population databases (gnomAD no frequency). This variant has not been reported in the literature in individuals affected with KANK2-related conditions. ClinVar contains an entry for this variant (Variation ID: 2747295). An algorithm developed to predict the effect of missense changes on protein structure and function (PolyPhen-2) suggests that this variant is likely to be disruptive. In summary, the available evidence is currently insufficient to determine the role of this variant in disease. Therefore, it has been classified as a Variant of Uncertain Significance.

NM_001136191.3(KANK2):c.2407G>A (p.Asp803Asn)

Gene: KANK2 (KN motif and ankyrin repeat domains 2; minus strand). Cytogenetic location: 19p13.2.
Variant type: single nucleotide variant.
Coding change: c.2407G>A on transcript NM_001136191.3 (MANE Select); coding-DNA position 2407, G replaced by A.
Protein change: p.Asp803Asn; replaces aspartic acid 803 with asparagine.
Molecular consequence: missense variant.
Genome position (GRCh38, 1-based): chr19:11,170,053, C>T on the plus strand (G>A on the coding strand, the complement: KANK2 is on the minus strand). VCF-style: chr19-11170053-C-T. GRCh37 (hg19) VCF-style: chr19-11280729-C-T.
Other names: c.2407G>A, p.Asp803Asn (NM_001329451.2, NM_001379555.1, NM_001379556.1 and 7 more transcripts); c.2431G>A, p.Asp811Asn (NM_001379548.1, NM_001379549.1, NM_001379550.1 and 5 more transcripts); short protein forms D811N, D803N.
Identifiers: ClinVar variation 2747295 (VCV002747295.3), dbSNP rs2512567123, ClinGen allele CA404077165.